The following is an entry in ClinVar:

NM_001048174.2(MUTYH):c.797G>A (p.Arg266His)

Gene: MUTYH (mutY DNA glycosylase; minus strand). Cytogenetic location: 1p34.1.
Variant type: single nucleotide variant.
Coding change: c.797G>A on transcript NM_001048174.2 (MANE Select); coding-DNA position 797, G replaced by A.
Protein change: p.Arg266His; replaces arginine 266 with histidine.
Molecular consequence: missense variant. On other transcripts: non-coding transcript variant (2).
Genome position (GRCh38, 1-based): chr1:45,332,218, C>T on the plus strand (G>A on the coding strand, the complement: MUTYH is on the minus strand). VCF-style: chr1-45332218-C-T. GRCh37 (hg19) VCF-style: chr1-45797890-C-T.
Other names: c.797G>A, p.Arg266His (NM_001048171.2, NM_001048173.2, NM_001293195.2); c.800G>A, p.Arg267His (NM_001048172.2); c.881G>A, p.Arg294His (NM_001128425.2); c.842G>A, p.Arg281His (NM_001293190.2); c.830G>A, p.Arg277His (NM_001293191.2); c.521G>A, p.Arg174His (NM_001293192.2, NM_001293196.2); c.452G>A, p.Arg151His (NM_001350650.2, NM_001350651.2); c.872G>A, p.Arg291His (NM_012222.3); short protein forms R294H, R174H, R277H, R281H, R291H, R151H, R266H, R267H.
Identifiers: ClinVar variation 230487 (VCV000230487.27), dbSNP rs146044717, ClinGen allele CA059467.

ClinVar aggregate classification (germline): Conflicting classifications of pathogenicity. Review status: criteria provided, conflicting classifications (1 of 4 stars). 9 submissions from 9 submitters: Uncertain significance (5); Likely benign (2). 2 of the submissions do not count toward it. Last evaluated 2025-11-10.

Conditions:
MUTYH-related disorder. Also called: MUTYH-related disorders; MUTYH-related condition.
Hereditary cancer-predisposing syndrome. Also called: Neoplastic Syndromes, Hereditary; Tumor predisposition; Hereditary Cancer Syndrome; Hereditary neoplastic syndrome. Identifiers: Orphanet 140162, MedGen C0027672, MeSH D009386, MONDO:0015356.
Familial adenomatous polyposis 2. Also called: FAP type 2; MYH-associated polyposis; Adenomas, multiple colorectal; MUTYH-associated polyposis; MUTYH Polyposis; MUTYH-related attenuated familial adenomatous polyposis. Identifiers: Orphanet 220460, Orphanet 247798, MedGen C3272841, MONDO:0012041, OMIM 608456.

Allele frequency attached by ClinVar (database versions not stated): gnomAD exomes 0.00002 and 0.00005; TOPMed 0.00003; gnomAD 0.00004; ExAC 0.00005; ESP Exome Variant Server 0.00015.
gnomAD v4.1: 41 of 1,614,050 alleles (0.0025%); highest among the groups gnomAD compares: South Asian, 0.018%; no homozygotes.

Submissions (9):

PreventionGenetics, part of Exact Sciences
Classification: Uncertain significance for MUTYH-related condition. Last evaluated: 2025-11-10. Review status: criteria provided, single submitter. Criteria: ACMG Guidelines, 2015. Collection method: clinical testing. Allele origin: germline.
Comment: The MUTYH c.881G>A variant is predicted to result in the amino acid substitution p.Arg294His. To our knowledge, this variant has not been reported in the literature. This variant is reported in 0.019% of alleles in individuals of African descent in gnomAD and has conflicting interpretations in ClinVar, ranging from uncertain to likely benign (Variation ID: 230487). At this time, the clinical significance of this variant is uncertain due to the absence of conclusive functional and genetic evidence.

Quest Diagnostics Nichols Institute San Juan Capistrano
Classification: Uncertain significance. Last evaluated: 2025-03-31. Review status: criteria provided, single submitter. Criteria: Quest Diagnostics criteria. Collection method: clinical testing. Allele origin: unknown.
Comment: The MUTYH c.881G>A (p.Arg294His) variant has been reported in the published literature in an individual with breast cancer (PMID: 29371908 (2019)), and in an unaffected control in a study on patients with colorectal cancer or polyps (PMID: 30267214 (2018)). In a large scale breast cancer association study, this variant has been observed in breast cancer cases and reportedly healthy individuals (PMID: 33471991 (2021), see also LOVD). The frequency of this variant in the general population (Genome Aggregation Database) is uninformative in the assessment of its pathogenicity. Analysis of this variant using bioinformatics tools for the prediction of the effect of amino acid changes on protein structure and function yielded predictions that this variant is benign. Based on the available information, we are unable to determine the clinical significance of this variant.

Labcorp Genetics (formerly Invitae), Labcorp
Classification: Uncertain significance for Familial adenomatous polyposis 2. Last evaluated: 2024-12-29. Review status: criteria provided, single submitter. Criteria: Invitae Variant Classification Sherloc (09022015). Collection method: clinical testing. Allele origin: germline.
Comment: This sequence change replaces arginine, which is basic and polar, with histidine, which is basic and polar, at codon 294 of the MUTYH protein (p.Arg294His). This variant is present in population databases (rs146044717, gnomAD 0.02%). This variant has not been reported in the literature in individuals affected with MUTYH-related conditions. ClinVar contains an entry for this variant (Variation ID: 230487). An algorithm developed to predict the effect of missense changes on protein structure and function outputs the following: PolyPhen-2: "Benign". The histidine amino acid residue is found in multiple mammalian species, which suggests that this missense change does not adversely affect protein function. In summary, the available evidence is currently insufficient to determine the role of this variant in disease. Therefore, it has been classified as a Variant of Uncertain Significance.

Color Diagnostics, LLC DBA Color Health
Classification: Likely benign for Hereditary cancer-predisposing syndrome. Last evaluated: 2024-09-19. Review status: criteria provided, single submitter. Criteria: ACMG Guidelines, 2015. Collection method: clinical testing. Allele origin: germline.

GeneDx
Classification: Uncertain significance. Last evaluated: 2023-05-05. Review status: criteria provided, single submitter. Criteria: GeneDx Variant Classification Process June 2021. Collection method: clinical testing. Allele origin: germline. Affected: yes.
Comment: In silico analysis supports that this missense variant does not alter protein structure/function; Has not been previously published as pathogenic or benign to our knowledge; This variant is associated with the following publications: (PMID: 27545679, 29371908, 11092888, 11160897)

Women's Health and Genetics/Laboratory Corporation of America, LabCorp
Classification: Uncertain significance. Last evaluated: 2021-02-08. Review status: criteria provided, single submitter. Criteria: LabCorp Variant Classification Summary - May 2015. Collection method: clinical testing. Allele origin: germline.
Comment: Variant summary: MUTYH c.881G>A (p.Arg294His) results in a non-conservative amino acid change in the encoded protein sequence. Four of five in-silico tools predict a benign effect of the variant on protein function. The variant allele was found at a frequency of 4.8e-05 in 251108 control chromosomes. This frequency is not significantly higher than expected for a pathogenic variant in MUTYH causing MUTYH-Associated Polyposis (4.8e-05 vs 0.0046), allowing no conclusion about variant significance. To our knowledge, no occurrence of c.881G>A in individuals affected with MUTYH-Associated Polyposis and no experimental evidence demonstrating its impact on protein function have been reported. Four clinical diagnostic laboratories have submitted clinical-significance assessments for this variant to ClinVar after 2014 without evidence for independent evaluation. Multiple laboratories reported the variant with conflicting assessments (likely benign, n=2; VUS, n=2). Based on the evidence outlined above, the variant was classified as uncertain significance.

Ambry Genetics
Classification: Likely benign for Hereditary cancer-predisposing syndrome. Last evaluated: 2019-03-30. Review status: criteria provided, single submitter. Criteria: Ambry Variant Classification Scheme 2023. Collection method: clinical testing. Allele origin: germline.

Clinical Genetics, Academic Medical Center
Classification: Likely benign. Review status: no assertion criteria provided. Collection method: clinical testing. Allele origin: germline. Affected: yes. Study: VKGL Data-share Consensus. Not counted in ClinVar's aggregate classification.

Joint Genome Diagnostic Labs from Nijmegen and Maastricht, Radboudumc and MUMC+
Classification: Likely benign. Review status: no assertion criteria provided. Collection method: clinical testing. Allele origin: germline. Affected: yes. Study: VKGL Data-share Consensus. Not counted in ClinVar's aggregate classification.

Literature cited by the submitters: PubMed 33471991 (cited by Quest Diagnostics Nichols Institute San Juan Capistrano); PubMed 29371908 (cited by Quest Diagnostics Nichols Institute San Juan Capistrano); PubMed 27545679 (cited by Quest Diagnostics Nichols Institute San Juan Capistrano); PubMed 35768438 (cited by Quest Diagnostics Nichols Institute San Juan Capistrano); PubMed 26832770 (cited by Quest Diagnostics Nichols Institute San Juan Capistrano); PubMed 30267214 (cited by Quest Diagnostics Nichols Institute San Juan Capistrano).